The following is an entry in ClinVar:

ClinVar aggregate classification (germline): Uncertain significance (1 of 4 stars; one submission).

gnomAD v4.1: 3 of 1,614,154 alleles (0.00019%); highest among the groups gnomAD compares: Non-Finnish European, 0.00017%; no homozygotes.

Submission:

Ambry Genetics
Classification: Uncertain significance. Last evaluated: 2024-12-29. Review status: criteria provided, single submitter. Criteria: Ambry Variant Classification Scheme 2023. Collection method: clinical testing. Allele origin: germline.
Comment: The p.N598H variant (also known as c.1792A>C), located in coding exon 1 of the TET2 gene, results from an A to C substitution at nucleotide position 1792. The asparagine at codon 598 is replaced by histidine, an amino acid with similar properties. This amino acid position is conserved. In addition, this alteration is predicted to be tolerated by in silico analysis. Based on the available evidence, the clinical significance of this variant remains unclear.

NM_001127208.3(TET2):c.1792A>C (p.Asn598His)

Genes: TET2 (tet methylcytosine dioxygenase 2; plus strand), TET2-AS1 (TET2 antisense RNA 1; minus strand). Cytogenetic location: 4q24.
Variant type: single nucleotide variant.
Coding change: c.1792A>C on transcript NM_001127208.3 (MANE Select); coding-DNA position 1792, A replaced by C.
Protein change: p.Asn598His; replaces asparagine 598 with histidine.
Molecular consequence: missense variant.
Genome position (GRCh38, 1-based): chr4:105,235,734, A>C. VCF-style: chr4-105235734-A-C. GRCh37 (hg19) VCF-style: chr4-106156891-A-C.
Other names: c.1792A>C, p.Asn598His (NM_017628.4); short protein forms N598H.
Identifiers: ClinVar variation 3805912 (VCV003805912.1).